The following is an entry in ClinVar:

ClinVar aggregate classification (germline): Uncertain significance (1 of 4 stars; one submission).

Conditions:
Cohen syndrome (COH1). Also called: PEPPER SYNDROME; Cutis verticis gyrata, retinitis pigmentosa, and sensorineural deafness. Identifiers: Orphanet 193, MedGen C0265223, MONDO:0008999, OMIM 216550.

Allele frequency attached by ClinVar (database versions not stated): ExAC 0.00001; gnomAD 0.00001.
gnomAD v4.1: 5 of 1,614,012 alleles (0.00031%); highest among the groups gnomAD compares: Non-Finnish European, 0.00042%; no homozygotes.

Submission:

Labcorp Genetics (formerly Invitae), Labcorp
Classification: Uncertain significance for Cohen syndrome. Last evaluated: 2021-12-19. Review status: criteria provided, single submitter. Criteria: Invitae Variant Classification Sherloc (09022015). Collection method: clinical testing. Allele origin: germline.
Comment: This sequence change replaces tyrosine, which is neutral and polar, with cysteine, which is neutral and slightly polar, at codon 3350 of the VPS13B protein (p.Tyr3350Cys). This variant is present in population databases (rs780352522, gnomAD 0.002%). This variant has not been reported in the literature in individuals affected with VPS13B-related conditions. Algorithms developed to predict the effect of missense changes on protein structure and function are either unavailable or do not agree on the potential impact of this missense change (SIFT: "Not Available"; PolyPhen-2: "Possibly Damaging"; Align-GVGD: "Not Available"). In summary, the available evidence is currently insufficient to determine the role of this variant in disease. Therefore, it has been classified as a Variant of Uncertain Significance.

NM_152564.5(VPS13B):c.9974A>G (p.Tyr3325Cys)

Gene: VPS13B (vacuolar protein sorting 13 homolog B; plus strand). Cytogenetic location: 8q22.2.
Variant type: single nucleotide variant.
Coding change: c.9974A>G on transcript NM_152564.5 (MANE Select); coding-DNA position 9974, A replaced by G.
Protein change: p.Tyr3325Cys; replaces tyrosine 3325 with cysteine.
Molecular consequence: missense variant.
Genome position (GRCh38, 1-based): chr8:99,848,807, A>G. VCF-style: chr8-99848807-A-G. GRCh37 (hg19) VCF-style: chr8-100861035-A-G.
Other names: c.10049A>G, p.Tyr3350Cys (NM_017890.5); short protein forms Y3350C, Y3325C.
Identifiers: ClinVar variation 2154763 (VCV002154763.1), dbSNP rs780352522, ClinGen allele CA4824846.